The following is an entry in ClinVar:

NM_000057.4(BLM):c.2276T>C (p.Ile759Thr)

Gene: BLM (BLM RecQ like helicase; plus strand). Cytogenetic location: 15q26.1.
Variant type: single nucleotide variant.
Coding change: c.2276T>C on transcript NM_000057.4 (MANE Select); coding-DNA position 2276, T replaced by C.
Protein change: p.Ile759Thr; replaces isoleucine 759 with threonine.
Molecular consequence: missense variant.
Genome position (GRCh38, 1-based): chr15:90,766,992, T>C. VCF-style: chr15-90766992-T-C. GRCh37 (hg19) VCF-style: chr15-91310222-T-C.
Other names: c.2276T>C, p.Ile759Thr (NM_001287246.2, NM_001287247.2); c.1151T>C, p.Ile384Thr (NM_001287248.2); short protein forms I384T, I759T.
Identifiers: ClinVar variation 1429525 (VCV001429525.9), dbSNP rs1056077835, ClinGen allele CA274741742.

ClinVar aggregate classification (germline): Uncertain significance. Review status: criteria provided, multiple submitters, no conflicts (2 of 4 stars). 2 submissions from 2 submitters: Uncertain significance (2). Last evaluated 2025-09-23.

Conditions:
Hereditary cancer-predisposing syndrome. Also called: Tumor predisposition; Hereditary neoplastic syndrome; Neoplastic Syndromes, Hereditary; Hereditary Cancer Syndrome. Identifiers: Orphanet 140162, MedGen C0027672, MeSH D009386, MONDO:0015356.
Bloom syndrome (BLM). Also called: Bloom-Torre-Machacek syndrome. Identifiers: Orphanet 125, MedGen C0005859, MONDO:0008876, OMIM 210900.

gnomAD v4.1: 1 of 1,589,360 alleles (0.000063%); highest among the groups gnomAD compares: Non-Finnish European, 0.000086%; no homozygotes.

Submissions (2):

Labcorp Genetics (formerly Invitae), Labcorp
Classification: Uncertain significance for Bloom syndrome. Last evaluated: 2025-09-23. Review status: criteria provided, single submitter. Criteria: Invitae Variant Classification Sherloc (09022015). Collection method: clinical testing. Allele origin: germline.
Comment: This sequence change replaces isoleucine, which is neutral and non-polar, with threonine, which is neutral and polar, at codon 759 of the BLM protein (p.Ile759Thr). This variant is not present in population databases (gnomAD no frequency). This variant has not been reported in the literature in individuals affected with BLM-related conditions. ClinVar contains an entry for this variant (Variation ID: 1429525). Invitae Evidence Modeling of protein sequence and biophysical properties (such as structural, functional, and spatial information, amino acid conservation, physicochemical variation, residue mobility, and thermodynamic stability) indicates that this missense variant is not expected to disrupt BLM protein function with a negative predictive value of 80%. In summary, the available evidence is currently insufficient to determine the role of this variant in disease. Therefore, it has been classified as a Variant of Uncertain Significance.

Ambry Genetics
Classification: Uncertain significance for Hereditary cancer-predisposing syndrome. Last evaluated: 2024-04-26. Review status: criteria provided, single submitter. Criteria: Ambry Variant Classification Scheme 2023. Collection method: clinical testing. Allele origin: germline.
Comment: The p.I759T variant (also known as c.2276T>C), located in coding exon 9 of the BLM gene, results from a T to C substitution at nucleotide position 2276. The isoleucine at codon 759 is replaced by threonine, an amino acid with similar properties. This amino acid position is well conserved in available vertebrate species. In addition, the in silico prediction for this alteration is inconclusive. Since supporting evidence is limited at this time, the clinical significance of this alteration remains unclear.